The following is an entry in ClinVar:

ClinVar aggregate classification (germline): Uncertain significance (1 of 4 stars; one submission).

Conditions:
Charcot-Marie-Tooth disease axonal type 2O. Also called: CHARCOT-MARIE-TOOTH NEUROPATHY, AXONAL, TYPE 2O; CHARCOT-MARIE-TOOTH DISEASE, AXONAL, AUTOSOMAL DOMINANT, TYPE 2O; Charcot-Marie-Tooth disease, axonal, type 20; Charcot-Marie-Tooth Neuropathy Type 2O. Identifiers: Orphanet 284232, MedGen C3280220, MONDO:0013644, OMIM 614228.

Submission:

Labcorp Genetics (formerly Invitae), Labcorp
Classification: Uncertain significance for Charcot-Marie-Tooth disease axonal type 2O. Last evaluated: 2020-05-20. Review status: criteria provided, single submitter. Criteria: Invitae Variant Classification Sherloc (09022015). Collection method: clinical testing. Allele origin: germline.
Comment: In summary, the available evidence is currently insufficient to determine the role of this variant in disease. Therefore, it has been classified as a Variant of Uncertain Significance. Algorithms developed to predict the effect of missense changes on protein structure and function are either unavailable or do not agree on the potential impact of this missense change (SIFT: "Deleterious"; PolyPhen-2: "Probably Damaging"; Align-GVGD: "Class C0"). This variant has not been reported in the literature in individuals with DYNC1H1-related conditions. This variant is not present in population databases (ExAC no frequency). This sequence change replaces lysine with asparagine at codon 2349 of the DYNC1H1 protein (p.Lys2349Asn). The lysine residue is highly conserved and there is a moderate physicochemical difference between lysine and asparagine.

NM_001376.5(DYNC1H1):c.7047A>C (p.Lys2349Asn)

Gene: DYNC1H1 (dynein cytoplasmic 1 heavy chain 1; plus strand). Cytogenetic location: 14q32.31.
Variant type: single nucleotide variant.
Coding change: c.7047A>C on transcript NM_001376.5 (MANE Select); coding-DNA position 7047, A replaced by C.
Protein change: p.Lys2349Asn; replaces lysine 2349 with asparagine.
Molecular consequence: missense variant.
Genome position (GRCh38, 1-based): chr14:102,015,137, A>C. VCF-style: chr14-102015137-A-C. GRCh37 (hg19) VCF-style: chr14-102481474-A-C.
Other names: short protein forms K2349N.
Identifiers: ClinVar variation 1002370 (VCV001002370.8), dbSNP rs765427772, ClinGen allele CA391059782.